The following is an entry in ClinVar:

NM_001375524.1(TRRAP):c.1042A>G (p.Ile348Val)

Gene: TRRAP (transformation/transcription domain associated protein; plus strand). Cytogenetic location: 7q22.1.
Variant type: single nucleotide variant.
Coding change: c.1042A>G on transcript NM_001375524.1 (MANE Select); coding-DNA position 1042, A replaced by G.
Protein change: p.Ile348Val; replaces isoleucine 348 with valine.
Molecular consequence: missense variant.
Genome position (GRCh38, 1-based): chr7:98,906,182, A>G. VCF-style: chr7-98906182-A-G. GRCh37 (hg19) VCF-style: chr7-98503805-A-G.
Other names: c.1042A>G (NM_001244580.1); c.1042A>G, p.Ile348Val (NM_001244580.2, NM_003496.4); short protein forms I348V.
Identifiers: ClinVar variation 3612033 (VCV003612033.3).
Genomic context (GRCh38, chr7:98,906,182, plus strand): 5'-TAATGTGTGTAATTGGTTTTGTTAGTGATCTGTGCAATGGATGTTTGTCTTCTAGAGTTC[A>G]TTCCTTGCATGGACAAGCTGTTTGATGAATCCATACTAATTGGCTCAGGATATACTGCCA-3'
Protein context (NP_001362453.1, residues 338-358): ILTTELRNQF[Ile348Val]PCMDKLFDES

ClinVar aggregate classification (germline): Uncertain significance. Review status: criteria provided, multiple submitters, no conflicts (2 of 4 stars). 2 submissions from 2 submitters: Uncertain significance (2). Last evaluated 2025-05-05.

Conditions:
Inborn genetic diseases. Identifiers: MedGen C0950123, MeSH D030342.

gnomAD v4.1: 10 of 1,613,672 alleles (0.00062%); highest among the groups gnomAD compares: African/African-American, 0.0027%; no homozygotes.

Submissions (2):

Ambry Genetics
Classification: Uncertain significance for Inborn genetic diseases. Last evaluated: 2025-05-05. Review status: criteria provided, single submitter. Criteria: Ambry Variant Classification Scheme 2023. Collection method: clinical testing. Allele origin: germline.

Labcorp Genetics (formerly Invitae), Labcorp
Classification: Uncertain significance. Last evaluated: 2024-12-04. Review status: criteria provided, single submitter. Criteria: Invitae Variant Classification Sherloc (09022015). Collection method: clinical testing. Allele origin: germline.
Comment: This sequence change replaces isoleucine, which is neutral and non-polar, with valine, which is neutral and non-polar, at codon 348 of the TRRAP protein (p.Ile348Val). This variant is present in population databases (no rsID available, gnomAD 0.0009%). This variant has not been reported in the literature in individuals affected with TRRAP-related conditions. Invitae Evidence Modeling of protein sequence and biophysical properties (such as structural, functional, and spatial information, amino acid conservation, physicochemical variation, residue mobility, and thermodynamic stability) indicates that this missense variant is not expected to disrupt TRRAP protein function with a negative predictive value of 80%. In summary, the available evidence is currently insufficient to determine the role of this variant in disease. Therefore, it has been classified as a Variant of Uncertain Significance.